The following is an entry in ClinVar:

NC_012920.1(MT-ATP6):m.9181A>G

Gene: MT-ATP6 (mitochondrially encoded ATP synthase 6; plus strand).
Variant type: single nucleotide variant.
Genome position: chrM-9181-A-G.
Identifiers: ClinVar variation 693118 (VCV000693118.1), dbSNP rs1556423628, ClinGen allele CA414802368.

ClinVar aggregate classification (germline): Benign (1 of 4 stars; one submission).

Conditions:
Leigh syndrome (NULS). Also called: Leigh's necrotizing encephalopathy; Leigh's disease; Leigh Syndrome (mtDNA deletion); Leigh Disease; Subacute necrotizing encephalopathy; Necrotizing encephalopathy infantile subacute of Leigh. Identifiers: Orphanet 506, MedGen C2931891, MONDO:0009723, OMIM 256000.

Submission:

Wong Mito Lab, Molecular and Human Genetics, Baylor College of Medicine
Classification: Benign for Leigh syndrome. Last evaluated: 2019-10-17. Review status: criteria provided, single submitter. Criteria: Modified ACMG Guidelines (Unpublished). Collection method: clinical testing. Allele origin: germline.
Comment: The NC_012920.1:m.9181A>G (YP_003024031.1:p.Ser219Gly) variant in MTATP6 gene is interpretated to be a Benign variant based on the modified ACMG guidelines (unpublished). This variant meets the following evidence codes: BS1, BS2